The following is an entry in ClinVar:

NM_145647.4(TBC1D31):c.2271-9G>A

Gene: TBC1D31 (TBC1 domain family member 31; plus strand). Cytogenetic location: 8q24.13.
Variant type: single nucleotide variant.
Coding change: c.2271-9G>A on transcript NM_145647.4 (MANE Select); 9 bases into the intron before coding-DNA position 2271, G replaced by A.
Molecular consequence: intron variant.
Genome position (GRCh38, 1-based): chr8:123,130,189, G>A. VCF-style: chr8-123130189-G-A. GRCh37 (hg19) VCF-style: chr8-124142429-G-A.
Other names: c.2271-9G>A (NM_001363151.2, NM_001363148.1, NM_001363150.1 and 1 more transcripts); c.2034-9G>A (NM_001363153.1); c.1956-9G>A (NM_001330606.2, NM_001363155.1, NM_001363152.1 and 1 more transcripts); c.771-9G>A (NM_001363156.1); c.2241-9G>A (NM_001363149.1).
Identifiers: ClinVar variation 3031869 (VCV003031869.2), dbSNP rs182463278, ClinGen allele CA4863532.

ClinVar aggregate classification (germline): Likely benign (0 of 4 stars; one submission).

Conditions:
TBC1D31-related disorder. Also called: TBC1D31-related condition.

Allele frequency attached by ClinVar (database versions not stated): gnomAD 0.00007; ESP Exome Variant Server 0.00008; TOPMed 0.00009; 1000 Genomes Project 30x 0.00016; 1000 Genomes Project 0.00020.
gnomAD v4.1: 252 of 1,602,220 alleles (0.016%); highest among the groups gnomAD compares: Non-Finnish European, 0.02%; no homozygotes.

Submission:

PreventionGenetics, part of Exact Sciences
Classification: Likely benign for TBC1D31-related condition. Last evaluated: 2023-04-17. Review status: no assertion criteria provided. Collection method: clinical testing. Allele origin: germline.
Comment: This variant is classified as likely benign based on ACMG/AMP sequence variant interpretation guidelines (Richards et al. 2015 PMID: 25741868, with internal and published modifications).